The following is an entry in ClinVar:

ClinVar aggregate classification (germline): Uncertain significance (1 of 4 stars; one submission).

Submission:

Clinical Genomics Laboratory, Washington University in St. Louis
Classification: Uncertain significance. Last evaluated: 2024-03-26. Review status: criteria provided, single submitter. Criteria: ACMG Guidelines, 2015. Collection method: clinical testing. Allele origin: germline.
Comment: The NRXN3 c.2547C>A (p.Cys849Ter) variant, to our knowledge, has not been reported in the medical literature and is absent from the general population (gnomAD v.2.1.1), indicating it is not a common variant. This variant causes a stop gain, which is predicted to lead to nonsense mediated decay. Due to limited information, the clinical significance of this variant is uncertain.

NM_001330195.2(NRXN3):c.2547C>A (p.Cys849Ter)

Gene: NRXN3 (neurexin 3; plus strand). Cytogenetic location: 14q31.1.
Variant type: single nucleotide variant.
Coding change: c.2547C>A on transcript NM_001330195.2 (MANE Select); coding-DNA position 2547, C replaced by A.
Protein change: p.Cys849Ter; replaces cysteine 849 with a stop codon.
Molecular consequence: nonsense. On other transcripts: non-coding transcript variant (4).
Genome position (GRCh38, 1-based): chr14:78,966,176, C>A. VCF-style: chr14-78966176-C-A. GRCh37 (hg19) VCF-style: chr14-79432519-C-A.
Other names: c.2547C>A, p.Cys849Ter (NM_001366425.1); c.2559C>A, p.Cys853Ter (NM_001366426.1); c.1428C>A, p.Cys476Ter (NM_004796.6); short protein forms C476*, C849*, C853*.
Identifiers: ClinVar variation 3236633 (VCV003236633.2), dbSNP rs2551825060, ClinGen allele CA390757466.